The following is an entry in ClinVar:

ClinVar aggregate classification (germline): Uncertain significance (1 of 4 stars; one submission).

Conditions:
X-linked Alport syndrome (ATS1). Also called: COL4A5-Related Nephropathy; NEPHROPATHY AND DEAFNESS, X-LINKED. Identifiers: Orphanet 63, Orphanet 88917, MedGen C4746986, MONDO:0010520, OMIM 301050.

Submission:

MVZ Medizinische Genetik Mainz
Classification: Uncertain significance for X-linked Alport syndrome. Last evaluated: 2024-02-15. Review status: criteria provided, single submitter. Criteria: UK Practice Guidelines For Variant Classification V4 01 2020. Collection method: clinical testing. Allele origin: germline. Inheritance: X-linked dominant inheritance. Affected: yes. Observed: 1 variant allele.
Comment: ACMG Criteria: PM2_SUP,PP3,PP4

NM_033380.3(COL4A5):c.4217-14T>G

Gene: COL4A5 (collagen type IV alpha 5 chain; plus strand). Cytogenetic location: Xq22.3.
Variant type: single nucleotide variant.
Coding change: c.4217-14T>G on transcript NM_033380.3 (MANE Select); 14 bases into the intron before coding-DNA position 4217, T replaced by G.
Molecular consequence: intron variant.
Genome position (GRCh38, 1-based): chrX:108,686,017, T>G. VCF-style: chrX-108686017-T-G. GRCh37 (hg19) VCF-style: chrX-107929247-T-G.
Other names: c.4199-14T>G (NM_000495.5).
Identifiers: ClinVar variation 3066289 (VCV003066289.1), dbSNP rs2524628232, ClinGen allele CA2740097969.
Genomic context (GRCh38, chrX:108,686,017, plus strand): 5'-CCTTATGTCTCCTAGATCTGTCCAGATGTGAAAATATTCTACTCATATTTGAATGCCTCA[T>G]TCTTTTCCTGTAGGTCCAACTGGCCCTCCAGGAGATCCTGGACGCAATGGACTCCCTGGC-3'